The following is an entry in ClinVar:

ClinVar aggregate classification (germline): Uncertain significance (1 of 4 stars; one submission).

Conditions:
Disseminated atypical mycobacterial infection. Identifiers: MedGen C0694566.

gnomAD v4.1: 5 of 1,613,890 alleles (0.00031%); highest among the groups gnomAD compares: East Asian, 0.011%; no homozygotes.

Submission:

Labcorp Genetics (formerly Invitae), Labcorp
Classification: Uncertain significance for Disseminated atypical mycobacterial infection. Last evaluated: 2026-01-06. Review status: criteria provided, single submitter. Criteria: Invitae Variant Classification Sherloc (09022015). Collection method: clinical testing. Allele origin: germline.
Comment: This sequence change replaces glutamine, which is neutral and polar, with histidine, which is basic and polar, at codon 157 of the IFNGR1 protein (p.Gln157His). This variant is present in population databases (rs768057694, gnomAD 0.01%). This variant has not been reported in the literature in individuals affected with IFNGR1-related conditions. ClinVar contains an entry for this variant (Variation ID: 3615541). Invitae Evidence Modeling of protein sequence and biophysical properties (such as structural, functional, and spatial information, amino acid conservation, physicochemical variation, residue mobility, and thermodynamic stability) indicates that this missense variant is not expected to disrupt IFNGR1 protein function with a negative predictive value of 80%. In summary, the available evidence is currently insufficient to determine the role of this variant in disease. Therefore, it has been classified as a Variant of Uncertain Significance.

NM_000416.3(IFNGR1):c.471G>T (p.Gln157His)

Gene: IFNGR1 (interferon gamma receptor 1; minus strand). Cytogenetic location: 6q23.3.
Variant type: single nucleotide variant.
Coding change: c.471G>T on transcript NM_000416.3 (MANE Select); coding-DNA position 471, G replaced by T.
Protein change: p.Gln157His; replaces glutamine 157 with histidine.
Molecular consequence: missense variant.
Genome position (GRCh38, 1-based): chr6:137,204,407, C>A on the plus strand (G>T on the coding strand, the complement: IFNGR1 is on the minus strand). VCF-style: chr6-137204407-C-A. GRCh37 (hg19) VCF-style: chr6-137525544-C-A.
Other names: c.441G>T, p.Gln147His (NM_001363526.1); c.348G>T, p.Gln116His (NM_001363527.1); short protein forms Q116H, Q147H, Q157H.
Identifiers: ClinVar variation 3615541 (VCV003615541.2).